The following is an entry in ClinVar:

ClinVar aggregate classification (germline): Pathogenic (1 of 4 stars; one submission).

Conditions:
Multiple congenital anomalies-hypotonia-seizures syndrome 1 (MCAHS1). Also called: PIGN-CDG; Congenital disorder of glycosylation due to PIGN deficiency; GLYCOSYLPHOSPHATIDYLINOSITOL BIOSYNTHESIS DEFECT 3. Identifiers: Orphanet 280633, MedGen C3279775, MONDO:0013563, OMIM 614080.

Submission:

Labcorp Genetics (formerly Invitae), Labcorp
Classification: Pathogenic for Multiple congenital anomalies-hypotonia-seizures syndrome 1. Last evaluated: 2023-08-16. Review status: criteria provided, single submitter. Criteria: Invitae Variant Classification Sherloc (09022015). Collection method: clinical testing. Allele origin: germline.
Comment: For these reasons, this variant has been classified as Pathogenic. Algorithms developed to predict the effect of sequence changes on RNA splicing suggest that this variant may create or strengthen a splice site. This variant has not been reported in the literature in individuals affected with PIGN-related conditions. This variant is not present in population databases (gnomAD no frequency). This sequence change creates a premature translational stop signal (p.Trp177*) in the PIGN gene. It is expected to result in an absent or disrupted protein product. Loss-of-function variants in PIGN are known to be pathogenic (PMID: 24253414, 27038415).

Literature cited by the submitters: PubMed 24253414; PubMed 27038415.

NM_176787.5(PIGN):c.530G>A (p.Trp177Ter)

Gene: PIGN (phosphatidylinositol glycan anchor biosynthesis class N; minus strand). Cytogenetic location: 18q21.33.
Variant type: single nucleotide variant.
Coding change: c.530G>A on transcript NM_176787.5 (MANE Select); coding-DNA position 530, G replaced by A.
Protein change: p.Trp177Ter; replaces tryptophan 177 with a stop codon.
Molecular consequence: nonsense.
Genome position (GRCh38, 1-based): chr18:62,154,564, C>T on the plus strand (G>A on the coding strand, the complement: PIGN is on the minus strand). VCF-style: chr18-62154564-C-T. GRCh37 (hg19) VCF-style: chr18-59821797-C-T.
Other names: c.530G>A, p.Trp177Ter (NM_012327.6); short protein forms W177*.
Identifiers: ClinVar variation 2752725 (VCV002752725.3), dbSNP rs1188835973, ClinGen allele CA402602749.